The following is an entry in ClinVar:

NM_000215.4(JAK3):c.3071_3072delinsAA (p.Cys1024Ter)

Gene: JAK3 (Janus kinase 3; minus strand). Cytogenetic location: 19p13.11.
Variant type: Indel.
Coding change: c.3071_3072delinsAA on transcript NM_000215.4 (MANE Select); coding-DNA positions 3071 to 3072, GC replaced by AA.
Protein change: p.Cys1024Ter; replaces cysteine 1024 with a stop codon.
Molecular consequence: nonsense.
Genome position (GRCh38, 1-based): chr19:17,830,527-17,830,528, GC replaced by TT on the plus strand (GC replaced by AA on the coding strand, the reverse complement: JAK3 is on the minus strand). VCF-style: chr19-17830527-GC-TT. GRCh37 (hg19) VCF-style: chr19-17941336-GC-TT.
Other names: short protein forms C1024*.
Identifiers: ClinVar variation 2764602 (VCV002764602.3), dbSNP rs2514544261, ClinGen allele CA2697556389.
Genomic context (GRCh38, chr19:17,830,527, plus strand): 5'-GAGAAGAAGGCTGGGGGCTCTGGGAAGCCGACTCACGGCCGAGGGGCTGCAGCTTTTGTC[GC>TT]AGTAGGTGAAGAGCTCGTACAGGACGACCCCGAAGCTCCAGACGTCTGACTGGCGAGAGA-3'

ClinVar aggregate classification (germline): Pathogenic (1 of 4 stars; one submission).

Conditions:
T-B+ severe combined immunodeficiency due to JAK3 deficiency. Also called: SCID, T CELL-NEGATIVE, B CELL-POSITIVE, NK CELL-NEGATIVE; SCID, autosomal recessive, T-negative/B-positive type. Identifiers: Orphanet 35078, MedGen C1833275, MONDO:0010938, OMIM 600802.

Submission:

Labcorp Genetics (formerly Invitae), Labcorp
Classification: Pathogenic for T-B+ severe combined immunodeficiency due to JAK3 deficiency. Last evaluated: 2023-09-30. Review status: criteria provided, single submitter. Criteria: Invitae Variant Classification Sherloc (09022015). Collection method: clinical testing. Allele origin: germline.
Comment: For these reasons, this variant has been classified as Pathogenic. This variant has not been reported in the literature in individuals affected with JAK3-related conditions. Information on the frequency of this variant in the gnomAD database is not available, as this variant may be reported differently in the database. This sequence change creates a premature translational stop signal (p.Cys1024*) in the JAK3 gene. It is expected to result in an absent or disrupted protein product. Loss-of-function variants in JAK3 are known to be pathogenic (PMID: 7481768, 11668621).

Literature cited by the submitters: PubMed 7481768; PubMed 11668621.